The following is an entry in ClinVar:

NM_001371986.1(UNC80):c.70A>G (p.Thr24Ala)

Gene: UNC80 (unc-80 subunit of NALCN channel complex; plus strand). Cytogenetic location: 2q34.
Variant type: single nucleotide variant.
Coding change: c.70A>G on transcript NM_001371986.1 (MANE Select); coding-DNA position 70, A replaced by G.
Protein change: p.Thr24Ala; replaces threonine 24 with alanine.
Molecular consequence: missense variant.
Genome position (GRCh38, 1-based): chr2:209,772,142, A>G. VCF-style: chr2-209772142-A-G. GRCh37 (hg19) VCF-style: chr2-210636866-A-G.
Other names: c.70A>G, p.Thr24Ala (NM_032504.2, NM_182587.4); short protein forms T24A.
Identifiers: ClinVar variation 1447100 (VCV001447100.6), dbSNP rs1402776898, ClinGen allele CA350124363.

ClinVar aggregate classification (germline): Uncertain significance (1 of 4 stars; one submission).

Allele frequency attached by ClinVar (database versions not stated): TOPMed below 0.00001; gnomAD exomes 0.00001.
gnomAD v4.1: 7 of 1,546,506 alleles (0.00045%); highest among the groups gnomAD compares: Non-Finnish European, 0.00061%; no homozygotes.

Submission:

Labcorp Genetics (formerly Invitae), Labcorp
Classification: Uncertain significance. Last evaluated: 2022-10-13. Review status: criteria provided, single submitter. Criteria: Invitae Variant Classification Sherloc (09022015). Collection method: clinical testing. Allele origin: germline.
Comment: In summary, the available evidence is currently insufficient to determine the role of this variant in disease. Therefore, it has been classified as a Variant of Uncertain Significance. Algorithms developed to predict the effect of missense changes on protein structure and function are either unavailable or do not agree on the potential impact of this missense change (SIFT: "Not Available"; PolyPhen-2: "Benign"; Align-GVGD: "Not Available"). ClinVar contains an entry for this variant (Variation ID: 1447100). This variant has not been reported in the literature in individuals affected with UNC80-related conditions. The frequency data for this variant in the population databases is considered unreliable, as metrics indicate poor data quality at this position in the gnomAD database. This sequence change replaces threonine with alanine at codon 24 of the UNC80 protein (p.Thr24Ala). The threonine residue is moderately conserved and there is a small physicochemical difference between threonine and alanine.